The following continues an entry in ClinVar:

NM_000059.3(BRCA2):c.2808_2811del (p.Ala938Profs)

Gene: BRCA2. ClinVar aggregate classification (germline): Pathogenic. Pathogenic (1).

Submissions 23 to 36 of 70:

Color Diagnostics, LLC DBA Color Health
Classification: Pathogenic for Hereditary cancer-predisposing syndrome. Last evaluated: 2023-12-11. Review status: criteria provided, single submitter. Criteria: ACMG Guidelines, 2015. Collection method: clinical testing. Allele origin: germline. Not counted in ClinVar's aggregate classification.
Comment: This variant deletes 4 nucleotides in exon 11 of the BRCA2 gene, creating a frameshift and premature translation stop signal. This variant is expected to result in an absent or non-functional protein product. This variant is also known as c.2806_2809del, 3034del4 and 3036del4 in the literature. This variant has been reported as a recurrent mutation worldwide in over 100 individuals affected with breast and/or ovarian cancer (PMID: 8665505, 11030418, 11158174, 12955716, 15024741, 21324516, 22006311, 21598239, 22970155, 23469205, 25476495, 26026974, 27257965, 28680148, 28692638, 29339979, 30287823) and a breast cancer case-control meta-analysis has reported this variant in 29/60437 cases and 6/53455 unaffected individuals (OR=4.275, 95%CI 1.775 to 10.298) (PMID: 33471991; Leiden Open Variation Database DB-ID BRCA2_001211). This variant also has been reported in individuals affected with prostate cancer (PMID: 20736950, 29368341). This variant has been identified in 2/250852 chromosomes in the general population by the Genome Aggregation Database (gnomAD). Loss of BRCA2 function is a known mechanism of disease. Based on the available evidence, this variant is classified as Pathogenic.

Quest Diagnostics Nichols Institute San Juan Capistrano
Classification: Pathogenic. Last evaluated: 2023-08-03. Review status: criteria provided, single submitter. Criteria: Quest Diagnostics criteria. Collection method: clinical testing. Allele origin: unknown. Not counted in ClinVar's aggregate classification.
Comment: The BRCA2 c.2808_2811del (p.Ala938Profs*21) variant alters the translational reading frame of the BRCA2 mRNA and causes the premature termination of BRCA2 protein synthesis. In the published literature, this variant has been reported in individuals with breast cancer (PMID: 12955716 (2003), 21598239 (2012), 28724667 (2017), 32101877 (2019), 33558524 (2021)), prostate cancer (PMID: 21952622 (2011)), and pancreatic cancer (PMID: 34399810 (2021)). The frequency of this variant in the general population, 0.000008 (2/250852 chromosomes (Genome Aggregation Database)), is consistent with pathogenicity. Based on the available information, this variant is classified as pathogenic.

Clinical Genetics Laboratory, Skane University Hospital Lund
Classification: Pathogenic. Last evaluated: 2023-06-19. Review status: criteria provided, single submitter. Criteria: ACMG Guidelines, 2015. Collection method: clinical testing. Allele origin: germline. Affected: yes. Not counted in ClinVar's aggregate classification.

Baylor Genetics
Classification: Pathogenic for Breast-ovarian cancer, familial, susceptibility to, 2. Last evaluated: 2023-06-12. Review status: criteria provided, single submitter. Criteria: ACMG Guidelines, 2015. Collection method: clinical testing. Allele origin: unknown. Not counted in ClinVar's aggregate classification.

Department of Genomics, ADN Uruguay
Classification: Pathogenic for Hereditary breast ovarian cancer syndrome. Last evaluated: 2023-06-07. Review status: criteria provided, single submitter. Criteria: Assertion Criteria Germline. Collection method: clinical testing. Allele origin: germline. Inheritance: Autosomal dominant inheritance. Affected: yes. Observed: 1 variant allele. Not counted in ClinVar's aggregate classification.
Comment: The BRCA2 c.2808_2811del (p.Ala938Profs*21) variant is a frameshift deletion in exon 11 predicted to cause premature truncation of the BRCA2 protein. Loss-of-function variants in BRCA2 are a well-established mechanism of disease (PVS1). This variant is absent from population databases (PM2) and has been reported as pathogenic in the literature (PMID:25682074) (PS1_supporting). Classified as Pathogenic per ACMG/AMP 2015 guidelines (PVS1, PM2, PS1_supporting).

KCCC/NGS Laboratory, Kuwait Cancer Control Center
Classification: Pathogenic for Familial cancer of breast. Last evaluated: 2023-05-30. Review status: criteria provided, single submitter. Criteria: ACMG Guidelines, 2015. Collection method: clinical testing. Allele origin: germline. Inheritance: Autosomal dominant inheritance. Affected: yes. Observed: 1 heterozygote. Not counted in ClinVar's aggregate classification.
Comment: This sequence change creates a premature translational stop signal (p.Ala938Profs*21) in the BRCA2 gene. It is expected to result in an absent or disrupted protein product. Loss-of-function variants in BRCA2 are known to be pathogenic (PMID: 20104584). This variant is present in population databases (rs80359351, gnomAD 0.003%). This premature translational stop signal has been observed in individual(s) with female breast cancer, male breast cancer, ovarian cancer, prostate cancer, and pancreatic cancer (PMID: 9585613, 12955716, 21952622, 23929434). This variant is also known as 2807del4, 3034del4, 3036del4, 3034delAAAC, 3036delACAA, and 3036_3039del4. ClinVar contains an entry for this variant (Variation ID: 9322). For these reasons, this variant has been classified as Pathogenic.

CHEO Genetics Diagnostic Laboratory, Children's Hospital of Eastern Ontario
Classification: Pathogenic for Breast and/or ovarian cancer. Last evaluated: 2023-04-25. Review status: criteria provided, single submitter. Criteria: ACMG Guidelines, 2015. Collection method: clinical testing. Allele origin: germline. Not counted in ClinVar's aggregate classification.

Laboratory for Molecular Medicine, Mass General Brigham Personalized Medicine
Classification: Pathogenic for Hereditary breast ovarian cancer syndrome. Last evaluated: 2022-06-30. Review status: criteria provided, single submitter. Criteria: ACMG Guidelines, 2015. Collection method: clinical testing. Allele origin: germline. Inheritance: Autosomal dominant inheritance. Not counted in ClinVar's aggregate classification.
Comment: The p.Ala938ProfsX21 variant in BRCA2 is a well-established pathogenic variant for hereditary breast and ovarian cancer (HBOC) and is one of the most common germline mutations in non-Ashkenazi Jewish individuals with breast cancer (Gao 2000 PMID: 11030417, Diez 2003 PMID: 12955716, Janavicius 2010 PMID: 23199084, Caputo 2012 PMID: 22144684, Kwong 2012 PMID: 22970155, Infante 2013 PMID: 23929434). Furthermore, this variant was identified in 2/113374 of European chromosomes by tby gnomAD. This variant was classified as Pathogenic on April 22, 2016 by the ClinGen-approved Evidence-based Network for the Interpretation of Germline Mutant Alleles (ENIGMA) expert panel (Variation ID 9322). The p.Ala938ProfsX21 variant is predicted to cause a frameshift, which alters the protein’s amino acid sequence beginning at position 938 and leads to a premature termination codon 21 amino acids downstream. This alteration is then predicted to lead to a truncated or absent protein. Heterozygous loss of function of the BRCA2 gene is an established disease mechanism for HBOC. In summary, this variant meets our criteria to be classified as pathogenic for autosomal dominant HBOC. ACMG/AMP Criteria applied: PVS1, PS4, PM2.

MGZ Medical Genetics Center
Classification: Pathogenic for Breast-ovarian cancer, familial, susceptibility to, 2. Last evaluated: 2022-05-04. Review status: criteria provided, single submitter. Criteria: ACMG Guidelines, 2015. Collection method: clinical testing. Allele origin: germline. Affected: yes. Observed: 4 variant alleles. Not counted in ClinVar's aggregate classification.
Comment: ACMG criteria applied: PVS1, PS4_MOD, PM2_SUP, PP1

Dasa
Classification: Pathogenic for BRCA2-related disorder. Last evaluated: 2022-03-05. Review status: criteria provided, single submitter. Criteria: ACMG Guidelines, 2015. Collection method: clinical testing. Allele origin: germline. Affected: yes. Observed: 1 variant allele. Not counted in ClinVar's aggregate classification.
Comment: The c.2808_2811del;p.(Ala938Profs*21) is a null frameshift variant (NMD) in the BRCA2 gene and predicts alteration of the nonsense-mediate decay - NMD is present in a relevant exon to the transcript - PVS1. The variant was observed to have arisen de novo (paternity confirmed) in a patient with the disease and no family history (PMID:11158174) - PS2. This sequence change has been observed in affected individual(s) and ClinVar contains an entry for this variant (ClinVar ID: 9322; PMID: 21324516; 28680148; 26026974; 20104584) - PS4. This variant is not present in population databases (rs80359351- gnomAD; ABraOM no frequency) - PM2. In summary, the currently available evidence indicates that the variant is pathogenic.

Institute for Clinical Genetics, University Hospital TU Dresden, University Hospital TU Dresden
Classification: Pathogenic. Last evaluated: 2021-11-03. Review status: criteria provided, single submitter. Criteria: ACMG Guidelines, 2015. Collection method: clinical testing. Allele origin: germline. Not counted in ClinVar's aggregate classification.

Genetics Program, Instituto Nacional de Cancer
Classification: Pathogenic for Hereditary breast ovarian cancer syndrome. Last evaluated: 2021-11-01. Review status: criteria provided, single submitter. Criteria: ACMG Guidelines, 2015. Collection method: research. Allele origin: germline. Affected: yes. Not counted in ClinVar's aggregate classification.

Sema4
Classification: Pathogenic for Hereditary cancer-predisposing syndrome. Last evaluated: 2021-10-12. Review status: criteria provided, single submitter. Criteria: Sema4 Curation Guidelines. Collection method: curation. Allele origin: germline. Not counted in ClinVar's aggregate classification.
Comment: The BRCA2 c.2808_2811delACAA (p.A938PfsX21) variant has been reported in heterozygosity in numerous individuals with breast, ovarian, prostate, stomach, and pancreatic cancer (PMID: 29446198, 32338768, 33054725, 29084914, among others). The variant is a well-established pathogenic variant associated with hereditary breast and ovarian cancer (PMID: 29446198 ). This variant causes a frameshift at amino acid 938 that results in premature termination 21 amino acids downstream. At this location, nonsense-mediated decay is predicted to occur, resulting in the loss of gene function. Loss of function variants in BRCA2 are known to be pathogenic (PMID: 29446198). This variant was observed in 2/113374 chromosomes in the European (non-Finnish) population according to the Genome Aggregation Database (PMID: 32461654), and has been reported in ClinVar (Variation ID: 9322). Based on the current evidence available, this variant is interpreted as pathogenic.

Institute of Medical Genetics and Applied Genomics, University Hospital Tübingen
Classification: Pathogenic. Last evaluated: 2020-10-23. Review status: criteria provided, single submitter. Criteria: ACMG Guidelines, 2015. Collection method: clinical testing. Allele origin: germline. Inheritance: Autosomal unknown. Affected: yes. Not counted in ClinVar's aggregate classification.